The following is an entry in ClinVar:

NM_020765.3(UBR4):c.6660G>A (p.Thr2220=)

Gene: UBR4 (ubiquitin protein ligase E3 component n-recognin 4; minus strand). Cytogenetic location: 1p36.13.
Variant type: single nucleotide variant.
Coding change: c.6660G>A on transcript NM_020765.3 (MANE Select); coding-DNA position 6660, G replaced by A.
Protein change: p.Thr2220=; no amino-acid change (threonine 2220 retained).
Molecular consequence: synonymous variant.
Genome position (GRCh38, 1-based): chr1:19,153,473, C>T on the plus strand (G>A on the coding strand, the complement: UBR4 is on the minus strand). VCF-style: chr1-19153473-C-T. GRCh37 (hg19) VCF-style: chr1-19479967-C-T.
Identifiers: ClinVar variation 2638420 (VCV002638420.24), dbSNP rs775328737, ClinGen allele CA650257.

ClinVar aggregate classification (germline): Likely benign (1 of 4 stars; one submission).

Allele frequency attached by ClinVar (database versions not stated): ExAC 0.00002; gnomAD exomes 0.00003; TOPMed 0.00014; gnomAD 0.00015.
gnomAD v4.1: 60 of 1,613,960 alleles (0.0037%); highest among the groups gnomAD compares: Admixed American, 0.067%; no homozygotes.

Submission:

CeGaT Center for Human Genetics Tuebingen
Classification: Likely benign. Last evaluated: 2022-12-01. Review status: criteria provided, single submitter. Criteria: CeGaT Center For Human Genetics Tuebingen Variant Classification Criteria Version 2. Collection method: clinical testing. Allele origin: germline. Affected: yes. Observed: 1 variant allele.
Comment: UBR4: BP4, BP7